The following is an entry in ClinVar:

ClinVar aggregate classification (germline): Uncertain significance (1 of 4 stars; one submission).

Conditions:
BAP1-related tumor predisposition syndrome (TPDS1). Also called: COMMON Syndrome; TUMOR PREDISPOSITION SYNDROME 1; BAP1 tumor predisposition syndrome; Tumor susceptibility linked to germline BAP1 mutations. Identifiers: Orphanet 289539, MedGen C3280492, MONDO:0013692, OMIM 614327.

Submission:

Labcorp Genetics (formerly Invitae), Labcorp
Classification: Uncertain significance for BAP1-related tumor predisposition syndrome. Last evaluated: 2022-02-10. Review status: criteria provided, single submitter. Criteria: Invitae Variant Classification Sherloc (09022015). Collection method: clinical testing. Allele origin: germline.
Comment: In summary, the available evidence is currently insufficient to determine the role of this variant in disease. Therefore, it has been classified as a Variant of Uncertain Significance. Algorithms developed to predict the effect of missense changes on protein structure and function are either unavailable or do not agree on the potential impact of this missense change (SIFT: "Deleterious"; PolyPhen-2: "Probably Damaging"; Align-GVGD: "Class C0"). This variant has not been reported in the literature in individuals affected with BAP1-related conditions. This variant is not present in population databases (gnomAD no frequency). This sequence change replaces serine, which is neutral and polar, with cysteine, which is neutral and slightly polar, at codon 369 of the BAP1 protein (p.Ser369Cys).

NM_004656.4(BAP1):c.1106C>G (p.Ser369Cys)

Gene: BAP1 (BRCA1 associated deubiquitinase 1; minus strand). Cytogenetic location: 3p21.1.
Variant type: single nucleotide variant.
Coding change: c.1106C>G on transcript NM_004656.4 (MANE Select); coding-DNA position 1106, C replaced by G.
Protein change: p.Ser369Cys; replaces serine 369 with cysteine.
Molecular consequence: missense variant.
Genome position (GRCh38, 1-based): chr3:52,405,120, G>C on the plus strand (C>G on the coding strand, the complement: BAP1 is on the minus strand). VCF-style: chr3-52405120-G-C. GRCh37 (hg19) VCF-style: chr3-52439136-G-C.
Other names: c.1052C>G, p.Ser351Cys (NM_001410772.1); short protein forms S351C, S369C.
Identifiers: ClinVar variation 2095861 (VCV002095861.4), dbSNP rs2153226993, ClinGen allele CA353105131.
Genomic context (GRCh38, chr3:52,405,120, plus strand): 5'-CCTCTCAAGAGAATCAAGTAGAGAATCCTGCAAGGGTGCTCCCAGCTTACCTGCATGGGG[G>C]ACTTGGCATAATTGTGATTGTCTAGAAAGGCCGGCAGCCGCTGGACAATGGGAGTGGGGT-3'
Protein context (NP_004647.1, residues 359-379): AFLDNHNYAK[Ser369Cys]PMQEEEDLAA